The following is an entry in ClinVar:

ClinVar aggregate classification (germline): Uncertain significance. Review status: criteria provided, multiple submitters, no conflicts (2 of 4 stars). 2 submissions from 2 submitters: Uncertain significance (2). Last evaluated 2025-07-02.

Conditions:
Charcot-Marie-Tooth disease type 2R. Also called: CHARCOT-MARIE-TOOTH DISEASE, AXONAL, AUTOSOMAL RECESSIVE, TYPE 2R; CHARCOT-MARIE-TOOTH NEUROPATHY, TYPE 2R; Charcot-Marie-Tooth disease, axonal, type 2R. Identifiers: Orphanet 397968, MedGen C3809655, MONDO:0014208, OMIM 615490.

Allele frequency attached by ClinVar (database versions not stated): gnomAD exomes below 0.00001 and 0.00001; gnomAD 0.00003 and 0.00004; TOPMed 0.00004; ESP Exome Variant Server 0.00008.
gnomAD v4.1: 13 of 1,613,916 alleles (0.00081%); highest among the groups gnomAD compares: African/African-American, 0.008%; no homozygotes.

Submissions (2):

Ambry Genetics
Classification: Uncertain significance. Last evaluated: 2025-07-02. Review status: criteria provided, single submitter. Criteria: Ambry Variant Classification Scheme 2023. Collection method: clinical testing. Allele origin: germline.

Labcorp Genetics (formerly Invitae), Labcorp
Classification: Uncertain significance for Charcot-Marie-Tooth disease type 2R. Last evaluated: 2023-08-04. Review status: criteria provided, single submitter. Criteria: Invitae Variant Classification Sherloc (09022015). Collection method: clinical testing. Allele origin: germline.
Comment: This sequence change replaces aspartic acid, which is acidic and polar, with asparagine, which is neutral and polar, at codon 122 of the TRIM2 protein (p.Asp122Asn). An algorithm developed to predict the effect of missense changes on protein structure and function (PolyPhen-2) suggests that this variant is likely to be tolerated. ClinVar contains an entry for this variant (Variation ID: 1436310). This variant has not been reported in the literature in individuals affected with TRIM2-related conditions. This variant is present in population databases (rs140886410, gnomAD 0.008%). In summary, the available evidence is currently insufficient to determine the role of this variant in disease. Therefore, it has been classified as a Variant of Uncertain Significance.

NM_015271.5(TRIM2):c.445G>A (p.Asp149Asn)

Gene: TRIM2 (tripartite motif containing 2; plus strand). Cytogenetic location: 4q31.3.
Variant type: single nucleotide variant.
Coding change: c.445G>A on transcript NM_015271.5 (MANE Select); coding-DNA position 445, G replaced by A.
Protein change: p.Asp149Asn; replaces aspartic acid 149 with asparagine.
Molecular consequence: missense variant. On other transcripts: 5 prime UTR variant (1).
Genome position (GRCh38, 1-based): chr4:153,276,122, G>A. VCF-style: chr4-153276122-G-A. GRCh37 (hg19) VCF-style: chr4-154197274-G-A.
Other names: c.364G>A, p.Asp122Asn (NM_001130067.2, NM_001351056.2, NM_001375512.1 and 5 more transcripts); c.445G>A, p.Asp149Asn (NM_001302692.2, NM_001375488.1, NM_001375490.1 and 1 more transcripts); c.442G>A, p.Asp148Asn (NM_001302693.2, NM_001375489.1, NM_001375491.1 and 1 more transcripts); c.418G>A, p.Asp140Asn (NM_001302694.2, NM_001351054.2); c.415G>A, p.Asp139Asn (NM_001351055.2); c.-113G>A (NM_001351057.2); c.106G>A, p.Asp36Asn (NM_001375522.1, NM_001375523.1, NM_001375525.1); c.445G>A (NM_015271.3); short protein forms D149N, D122N, D139N, D148N, D140N, D36N.
Identifiers: ClinVar variation 1436310 (VCV001436310.9), dbSNP rs140886410, ClinGen allele CA107904506.